The following is an entry in ClinVar:

ClinVar aggregate classification (germline): Uncertain significance. Review status: criteria provided, multiple submitters, no conflicts (2 of 4 stars). 2 submissions from 2 submitters: Uncertain significance (2). Last evaluated 2024-12-23.

Conditions:
Progressive familial heart block type IB (PFHB1B). Identifiers: Orphanet 871, MedGen C1970298, MONDO:0011474, OMIM 604559.

gnomAD v4.1: 1 of 1,613,296 alleles (0.000062%); highest among the groups gnomAD compares: Non-Finnish European, 0.000085%; no homozygotes.

Submissions (2):

Labcorp Genetics (formerly Invitae), Labcorp
Classification: Uncertain significance for Progressive familial heart block type IB. Last evaluated: 2024-12-23. Review status: criteria provided, single submitter. Criteria: Invitae Variant Classification Sherloc (09022015). Collection method: clinical testing. Allele origin: germline.
Comment: This sequence change replaces aspartic acid, which is acidic and polar, with asparagine, which is neutral and polar, at codon 417 of the TRPM4 protein (p.Asp417Asn). This variant is not present in population databases (gnomAD no frequency). This variant has not been reported in the literature in individuals affected with TRPM4-related conditions. An algorithm developed to predict the effect of missense changes on protein structure and function (PolyPhen-2) suggests that this variant is likely to be disruptive. In summary, the available evidence is currently insufficient to determine the role of this variant in disease. Therefore, it has been classified as a Variant of Uncertain Significance.

GeneDx
Classification: Uncertain significance. Last evaluated: 2024-04-09. Review status: criteria provided, single submitter. Criteria: GeneDx Variant Classification Process June 2021. Collection method: clinical testing. Allele origin: germline. Affected: yes.
Comment: Has not been previously published as pathogenic or benign to our knowledge; Not observed at significant frequency in large population cohorts (gnomAD); In silico analysis supports that this missense variant has a deleterious effect on protein structure/function

NM_017636.4(TRPM4):c.1249G>A (p.Asp417Asn)

Gene: TRPM4 (transient receptor potential cation channel subfamily M member 4; plus strand). Cytogenetic location: 19q13.33.
Variant type: single nucleotide variant.
Coding change: c.1249G>A on transcript NM_017636.4 (MANE Select); coding-DNA position 1249, G replaced by A.
Protein change: p.Asp417Asn; replaces aspartic acid 417 with asparagine.
Molecular consequence: missense variant. On other transcripts: 5 prime UTR variant (1), intron variant (1).
Genome position (GRCh38, 1-based): chr19:49,181,447, G>A. VCF-style: chr19-49181447-G-A. GRCh37 (hg19) VCF-style: chr19-49684704-G-A.
Other names: c.1249G>A, p.Asp417Asn (NM_001195227.2); c.904G>A, p.Asp302Asn (NM_001321281.2); c.-305G>A (NM_001321282.2); c.727G>A, p.Asp243Asn (NM_001321283.2); c.202-1131G>A (NM_001321285.2); short protein forms D243N, D302N, D417N.
Identifiers: ClinVar variation 3372337 (VCV003372337.3).